The following is an entry in ClinVar:

NM_020461.4(TUBGCP6):c.4593C>T (p.Phe1531=)

Gene: TUBGCP6 (tubulin gamma complex component 6; minus strand). Cytogenetic location: 22q13.33.
Variant type: single nucleotide variant.
Coding change: c.4593C>T on transcript NM_020461.4 (MANE Select); coding-DNA position 4593, C replaced by T.
Protein change: p.Phe1531=; no amino-acid change (phenylalanine 1531 retained).
Molecular consequence: synonymous variant.
Genome position (GRCh38, 1-based): chr22:50,219,101, G>A on the plus strand (C>T on the coding strand, the complement: TUBGCP6 is on the minus strand). VCF-style: chr22-50219101-G-A. GRCh37 (hg19) VCF-style: chr22-50657530-G-A.
Identifiers: ClinVar variation 1547264 (VCV001547264.31), dbSNP rs371758794, ClinGen allele CA10307438.

ClinVar aggregate classification (germline): Likely benign. Review status: criteria provided, multiple submitters, no conflicts (2 of 4 stars). 2 submissions from 2 submitters: Likely benign (2). Last evaluated 2025-05-17.

Allele frequency attached by ClinVar (database versions not stated): gnomAD 0.00001 and 0.00002; TOPMed 0.00002; ExAC 0.00005; gnomAD exomes 0.00006; 1000 Genomes Project 30x 0.00016; 1000 Genomes Project 0.00020.
gnomAD v4.1: 50 of 1,612,824 alleles (0.0031%); highest among the groups gnomAD compares: South Asian, 0.026%; no homozygotes.

Submissions (2):

Labcorp Genetics (formerly Invitae), Labcorp
Classification: Likely benign. Last evaluated: 2025-05-17. Review status: criteria provided, single submitter. Criteria: Invitae Variant Classification Sherloc (09022015). Collection method: clinical testing. Allele origin: germline.

CeGaT Center for Human Genetics Tuebingen
Classification: Likely benign. Last evaluated: 2023-05-01. Review status: criteria provided, single submitter. Criteria: CeGaT Center For Human Genetics Tuebingen Variant Classification Criteria Version 2. Collection method: clinical testing. Allele origin: germline. Affected: yes. Observed: 1 variant allele.
Comment: TUBGCP6: BP4, BP7